The following is an entry in ClinVar:

NM_000048.4(ASL):c.1200C>G (p.Thr400=)

Gene: ASL (argininosuccinate lyase; plus strand). Cytogenetic location: 7q11.21.
Variant type: single nucleotide variant.
Coding change: c.1200C>G on transcript NM_000048.4 (MANE Select); coding-DNA position 1200, C replaced by G.
Protein change: p.Thr400=; no amino-acid change (threonine 400 retained).
Molecular consequence: synonymous variant.
Genome position (GRCh38, 1-based): chr7:66,092,613, C>G. VCF-style: chr7-66092613-C-G. GRCh37 (hg19) VCF-style: chr7-65557600-C-G.
Other names: c.1200C>G, p.Thr400= (NM_001024943.2); c.1140C>G, p.Thr380= (NM_001024944.2); c.1122C>G, p.Thr374= (NM_001024946.2).
Identifiers: ClinVar variation 703341 (VCV000703341.14), dbSNP rs370291313, ClinGen allele CA4277339.

ClinVar aggregate classification (germline): Likely benign. Review status: criteria provided, multiple submitters, no conflicts (2 of 4 stars). 2 submissions from 2 submitters: Likely benign (2). Last evaluated 2026-04-01.

Conditions:
Argininosuccinate lyase deficiency. Also called: ARGININOSUCCINIC ACID LYASE DEFICIENCY; ASL DEFICIENCY; Argininosuccinic aciduria. Identifiers: Orphanet 23, MedGen C0268547, MONDO:0008815, OMIM 207900, HP:0025630.

Allele frequency attached by ClinVar (database versions not stated): ESP Exome Variant Server 0.00008; gnomAD 0.00011 and 0.00037; ExAC 0.00012; gnomAD exomes 0.00015 and 0.00018; TOPMed 0.00047.
gnomAD v4.1: 312 of 1,613,068 alleles (0.019%); highest among the groups gnomAD compares: Non-Finnish European, 0.022%; 1 homozygote.

Submissions (2):

CeGaT Center for Human Genetics Tuebingen
Classification: Likely benign. Last evaluated: 2026-04-01. Review status: criteria provided, single submitter. Criteria: CeGaT Center For Human Genetics Tuebingen Variant Classification Criteria Version 2. Collection method: clinical testing. Allele origin: germline. Affected: yes. Observed: 1 variant allele.
Comment: ASL: BP4, BP7

Labcorp Genetics (formerly Invitae), Labcorp
Classification: Likely benign for Argininosuccinate lyase deficiency. Last evaluated: 2026-01-19. Review status: criteria provided, single submitter. Criteria: Invitae Variant Classification Sherloc (09022015). Collection method: clinical testing. Allele origin: germline.